The following is an entry in ClinVar:

ClinVar aggregate classification (germline): Conflicting classifications of pathogenicity. Review status: criteria provided, conflicting classifications (1 of 4 stars). 2 submissions from 2 submitters: Pathogenic (1); Uncertain significance (1). Last evaluated 2022-12-20.

Conditions:
DYRK1A-related intellectual disability syndrome (MRD7). Also called: DYRK1A Syndrome; Intellectual developmental disorder, autosomal dominant 7. Identifiers: Orphanet 464306, MedGen C5568143, MONDO:0013578, OMIM 614104.

Submissions (2):

Institute of Human Genetics, Cologne University
Classification: Pathogenic for DYRK1A-related intellectual disability syndrome. Last evaluated: 2022-12-20. Review status: criteria provided, single submitter. Criteria: ACMG Guidelines, 2015. Collection method: clinical testing. Allele origin: de novo. Affected: yes.

GeneDx
Classification: Uncertain significance. Last evaluated: 2019-12-13. Review status: criteria provided, single submitter. Criteria: GeneDx Variant Classification Process June 2021. Collection method: clinical testing. Allele origin: germline. Affected: yes.
Comment: Not observed in large population cohorts (Lek et al., 2016); Has not been previously published as pathogenic or benign to our knowledge; In-silico analysis, which includes splice predictors and evolutionary conservation, is inconclusive as to whether the variant alters gene splicing. In the absence of RNA/functional studies, the actual effect of this sequence change is unknown.

NM_001347721.2(DYRK1A):c.925-11A>G

Gene: DYRK1A (dual specificity tyrosine phosphorylation regulated kinase 1A; plus strand). Cytogenetic location: 21q22.13.
Variant type: single nucleotide variant.
Coding change: c.925-11A>G on transcript NM_001347721.2 (MANE Select); 11 bases into the intron before coding-DNA position 925, A replaced by G.
Molecular consequence: intron variant.
Genome position (GRCh38, 1-based): chr21:37,493,006, A>G. VCF-style: chr21-37493006-A-G. GRCh37 (hg19) VCF-style: chr21-38865308-A-G.
Other names: c.952-11A>G (NM_001396.5, NM_101395.2, NM_130438.2); c.925-11A>G (NM_001347722.2, NM_130436.2); c.838-11A>G (NM_001347723.2).
Identifiers: ClinVar variation 1310694 (VCV001310694.6), dbSNP rs2148619358, ClinGen allele CA2573054935.